The following is an entry in ClinVar:

NM_002335.4(LRP5):c.1004C>T (p.Thr335Met)

Gene: LRP5 (LDL receptor related protein 5; plus strand). Cytogenetic location: 11q13.2.
Variant type: single nucleotide variant.
Coding change: c.1004C>T on transcript NM_002335.4 (MANE Select); coding-DNA position 1004, C replaced by T.
Protein change: p.Thr335Met; replaces threonine 335 with methionine.
Molecular consequence: missense variant. On other transcripts: 5 prime UTR variant (1).
Genome position (GRCh38, 1-based): chr11:68,365,691, C>T. VCF-style: chr11-68365691-C-T. GRCh37 (hg19) VCF-style: chr11-68133159-C-T.
Other names: c.1004C>T (NM_002335.3); c.-762C>T (NM_001291902.2); short protein forms T335M.
Identifiers: ClinVar variation 2990225 (VCV002990225.4), dbSNP rs751485385, ClinGen allele CA6149184.

ClinVar aggregate classification (germline): Uncertain significance. Review status: criteria provided, multiple submitters, no conflicts (2 of 4 stars). 2 submissions from 2 submitters: Uncertain significance (2). Last evaluated 2025-06-23.

Conditions:
LRP5-related disorder. Also called: LRP5-related condition.

Allele frequency attached by ClinVar (database versions not stated): ExAC 0.00002.
gnomAD v4.1: 19 of 1,299,066 alleles (0.0015%); highest among the groups gnomAD compares: African/African-American, 0.0019%; no homozygotes.

Submissions (2):

PreventionGenetics, part of Exact Sciences
Classification: Uncertain significance for LRP5-related condition. Last evaluated: 2025-06-23. Review status: criteria provided, single submitter. Criteria: ACMG Guidelines, 2015. Collection method: clinical testing. Allele origin: germline.
Comment: The LRP5 c.1004C>T variant is predicted to result in the amino acid substitution p.Thr335Met. To our knowledge, this variant has not been reported in the literature. This variant is reported in 0.0061% of alleles in individuals of East Asian descent in gnomAD. At this time, the clinical significance of this variant is uncertain due to the absence of conclusive functional and genetic evidence.

Labcorp Genetics (formerly Invitae), Labcorp
Classification: Uncertain significance. Last evaluated: 2024-01-08. Review status: criteria provided, single submitter. Criteria: Invitae Variant Classification Sherloc (09022015). Collection method: clinical testing. Allele origin: germline.
Comment: This sequence change replaces threonine, which is neutral and polar, with methionine, which is neutral and non-polar, at codon 335 of the LRP5 protein (p.Thr335Met). This variant is present in population databases (rs751485385, gnomAD 0.007%). This variant has not been reported in the literature in individuals affected with LRP5-related conditions. Advanced modeling of protein sequence and biophysical properties (such as structural, functional, and spatial information, amino acid conservation, physicochemical variation, residue mobility, and thermodynamic stability) has been performed at Invitae for this missense variant, however the output from this modeling did not meet the statistical confidence thresholds required to predict the impact of this variant on LRP5 protein function. In summary, the available evidence is currently insufficient to determine the role of this variant in disease. Therefore, it has been classified as a Variant of Uncertain Significance.